The following is an entry in ClinVar:

NM_002890.3(RASA1):c.3046C>T (p.Arg1016Cys)

Genes: CCNH (cyclin H; minus strand), RASA1 (RAS p21 protein activator 1; plus strand). Cytogenetic location: 5q14.3.
Variant type: single nucleotide variant.
Coding change: c.3046C>T on transcript NM_002890.3 (MANE Select); coding-DNA position 3046, C replaced by T.
Protein change: p.Arg1016Cys; replaces arginine 1016 with cysteine.
Molecular consequence: missense variant. On other transcripts: intron variant (1).
Genome position (GRCh38, 1-based): chr5:87,389,513, C>T. VCF-style: chr5-87389513-C-T. GRCh37 (hg19) VCF-style: chr5-86685330-C-T.
Other names: c.2515C>T, p.Arg839Cys (NM_022650.3); c.933+5531G>A (NM_001364075.2); short protein forms R1016C, R839C.
Identifiers: ClinVar variation 2196123 (VCV002196123.4), dbSNP rs1762319609, ClinGen allele CA360388600.

ClinVar aggregate classification (germline): Uncertain significance. Review status: criteria provided, multiple submitters, no conflicts (2 of 4 stars). 2 submissions from 2 submitters: Uncertain significance (2). Last evaluated 2022-10-31.

Conditions:
Capillary malformation-arteriovenous malformation syndrome. Also called: Capillary malformation-arteriovenous malformation. Identifiers: Orphanet 137667, MedGen C1842180, MONDO:0012016.

Allele frequency attached by ClinVar (database versions not stated): gnomAD exomes below 0.00001.
gnomAD v4.1: 1 of 1,613,980 alleles (0.000062%); highest among the groups gnomAD compares: Non-Finnish European, 0.000085%; no homozygotes.

Submissions (2):

Blueprint Genetics
Classification: Uncertain significance. Last evaluated: 2022-10-31. Review status: criteria provided, single submitter. Criteria: ACMG Guidelines, 2015. Collection method: clinical testing. Allele origin: germline.

Labcorp Genetics (formerly Invitae), Labcorp
Classification: Uncertain significance for Capillary malformation-arteriovenous malformation syndrome. Last evaluated: 2022-08-20. Review status: criteria provided, single submitter. Criteria: Invitae Variant Classification Sherloc (09022015). Collection method: clinical testing. Allele origin: germline.
Comment: Algorithms developed to predict the effect of missense changes on protein structure and function are either unavailable or do not agree on the potential impact of this missense change (SIFT: "Deleterious"; PolyPhen-2: "Probably Damaging"; Align-GVGD: "Class C0"). This variant has not been reported in the literature in individuals affected with RASA1-related conditions. This variant is not present in population databases (gnomAD no frequency). This sequence change replaces arginine, which is basic and polar, with cysteine, which is neutral and slightly polar, at codon 1016 of the RASA1 protein (p.Arg1016Cys). In summary, the available evidence is currently insufficient to determine the role of this variant in disease. Therefore, it has been classified as a Variant of Uncertain Significance.